The following is an entry in ClinVar:

ClinVar aggregate classification (germline): Conflicting classifications of pathogenicity. Review status: criteria provided, conflicting classifications (1 of 4 stars). 2 submissions from 2 submitters: Uncertain significance (1); Likely benign (1). Last evaluated 2024-02-15.

gnomAD v4.1: 8 of 1,612,442 alleles (0.0005%); highest among the groups gnomAD compares: South Asian, 0.0033%; no homozygotes.

Submissions (2):

GeneDx
Classification: Uncertain significance. Last evaluated: 2024-02-15. Review status: criteria provided, single submitter. Criteria: GeneDx Variant Classification Process June 2021. Collection method: clinical testing. Allele origin: germline. Affected: yes.
Comment: Has not been previously published as pathogenic or benign to our knowledge; In silico analysis supports that this variant does not alter splicing

Blueprint Genetics
Classification: Likely benign. Last evaluated: 2023-11-16. Review status: criteria provided, single submitter. Criteria: ACMG Guidelines, 2015. Collection method: clinical testing. Allele origin: germline.

NM_005654.6(NR2F1):c.291C>T (p.His97=)

Genes: NR2F1 (nuclear receptor subfamily 2 group F member 1; plus strand), NR2F1-AS1 (NR2F1 regulatory antisense RNA 1; minus strand). Cytogenetic location: 5q15.
Variant type: single nucleotide variant.
Coding change: c.291C>T on transcript NM_005654.6 (MANE Select); coding-DNA position 291, C replaced by T.
Protein change: p.His97=; no amino-acid change (histidine 97 retained).
Molecular consequence: synonymous variant.
Genome position (GRCh38, 1-based): chr5:93,585,314, C>T. VCF-style: chr5-93585314-C-T. GRCh37 (hg19) VCF-style: chr5-92921020-C-T.
Identifiers: ClinVar variation 3369203 (VCV003369203.2).